The following is an entry in ClinVar:

NM_004541.4(NDUFA1):c.92A>G (p.Asn31Ser)

Genes: NDUFA1 (NADH:ubiquinone oxidoreductase subunit A1; plus strand), LOC130068621 (ATAC-STARR-seq lymphoblastoid active region 29902; plus strand). Cytogenetic location: Xq24.
Variant type: single nucleotide variant.
Coding change: c.92A>G on transcript NM_004541.4 (MANE Select); coding-DNA position 92, A replaced by G.
Protein change: p.Asn31Ser; replaces asparagine 31 with serine.
Molecular consequence: missense variant.
Genome position (GRCh38, 1-based): chrX:119,872,003, A>G. VCF-style: chrX-119872003-A-G. GRCh37 (hg19) VCF-style: chrX-119005966-A-G.
Other names: short protein forms N31S.
Identifiers: ClinVar variation 4813897 (VCV004813897.1).

ClinVar aggregate classification (germline): Uncertain significance (1 of 4 stars; one submission).

gnomAD v4.1: 1 of 1,211,299 alleles (0.000083%); highest among the groups gnomAD compares: East Asian, 0.003%; no homozygotes.

Submission:

GeneDx
Classification: Uncertain significance. Last evaluated: 2025-09-22. Review status: criteria provided, single submitter. Criteria: GeneDx Variant Classification Process June 2021. Collection method: clinical testing. Allele origin: germline. Affected: yes.
Comment: Not observed at significant frequency in large population cohorts (gnomAD); In silico analysis supports that this missense variant has a deleterious effect on protein structure/function; Has not been previously published as pathogenic or benign to our knowledge